The following is an entry in ClinVar:

ClinVar aggregate classification (germline): Pathogenic/Likely pathogenic. Review status: criteria provided, multiple submitters, no conflicts (2 of 4 stars). 3 submissions from 3 submitters: Pathogenic (1); Likely pathogenic (1). 1 of the submissions does not count toward it. Last evaluated 2024-01-05.

Conditions:
Autosomal dominant Alport syndrome (ATS3A). Also called: ALPORT SYNDROME 3A, AUTOSOMAL DOMINANT; Alport syndrome dominant type; Renal failure and sensorineural hearing loss. Identifiers: Orphanet 63, Orphanet 88918, MedGen C5882663, MONDO:0007086, OMIM 104200.
Hematuria, benign familial, 2 (BFH2). Identifiers: MedGen C5830421, MONDO:0958186, OMIM 620320.
Alport syndrome 3b, autosomal recessive. Identifiers: MedGen C5882699, MONDO:0957811, OMIM 620536.
Autosomal recessive Alport syndrome (ATS2). Also called: ALPORT SYNDROME 2, AUTOSOMAL RECESSIVE; Alport syndrome type 2; COL4A3-Related Nephropathy; COL4A4 Alport Syndrome and Thin Basement Membrane Nephropathy. Identifiers: Orphanet 63, Orphanet 88919, MedGen C4746745, MONDO:0008762, OMIM 203780.

Submissions (3):

Fulgent Genetics
Classification: Likely pathogenic for Autosomal dominant Alport syndrome; Hematuria, benign familial, 2; Alport syndrome 3b, autosomal recessive. Last evaluated: 2024-01-05. Review status: criteria provided, single submitter. Criteria: ACMG Guidelines, 2015. Collection method: clinical testing. Allele origin: germline.

Labcorp Genetics (formerly Invitae), Labcorp
Classification: Pathogenic. Last evaluated: 2021-07-21. Review status: criteria provided, single submitter. Criteria: Invitae Variant Classification Sherloc (09022015). Collection method: clinical testing. Allele origin: germline.
Comment: This sequence change creates a premature translational stop signal (p.Glu946Aspfs*22) in the COL4A3 gene. It is expected to result in an absent or disrupted protein product. Loss-of-function variants in COL4A3 are known to be pathogenic (PMID: 8956999, 24854265, 26809805, 27281700). This variant is not present in population databases (ExAC no frequency). This variant has not been reported in the literature in individuals affected with COL4A3-related conditions. ClinVar contains an entry for this variant (Variation ID: 550177). For these reasons, this variant has been classified as Pathogenic.

Counsyl
Classification: Likely pathogenic for Autosomal recessive Alport syndrome. Last evaluated: 2017-01-09. Review status: no assertion criteria provided. Collection method: clinical testing. Allele origin: unknown. Not counted in ClinVar's aggregate classification.

Literature cited by the submitters: PubMed 8956999 (cited by Labcorp Genetics (formerly Invitae), Labcorp); PubMed 24854265 (cited by Labcorp Genetics (formerly Invitae), Labcorp); PubMed 26809805 (cited by Labcorp Genetics (formerly Invitae), Labcorp); PubMed 27281700 (cited by Labcorp Genetics (formerly Invitae), Labcorp).

NM_000091.5(COL4A3):c.2838_2839del (p.Glu946fs)

Genes: MFF-DT (MFF divergent transcript; minus strand), COL4A3 (collagen type IV alpha 3 chain; plus strand). Cytogenetic location: 2q36.3.
Variant type: Microsatellite.
Coding change: c.2838_2839del on transcript NM_000091.5 (MANE Select); coding-DNA positions 2838 to 2839, 2 bases deleted (GA; older notation c.2838_2839delGA).
Protein change: p.Glu946fs; shifts the reading frame from glutamic acid 946.
Molecular consequence: frameshift variant.
Genome position (GRCh38, 1-based): chr2:227,284,302-227,284,303, GA deleted; deleting any 2 consecutive bases within chr2:227,284,299-227,284,303 gives the same sequence; the c. name uses the placement nearest the transcript's 3' end. VCF-style (leftmost placement, unchanged base first): chr2-227284298-CAG-C. GRCh37 (hg19) VCF-style: chr2-228149014-CAG-C.
Other names: c.2838_2839delGA (NM_000091.4); short protein forms E946fs.
Identifiers: ClinVar variation 550177 (VCV000550177.9), dbSNP rs1553760802, ClinGen allele CA658822699.